The following is an entry in ClinVar:

ClinVar aggregate classification (germline): Uncertain significance (1 of 4 stars; one submission).

Conditions:
Charcot-Marie-Tooth disease axonal type 2O. Also called: CHARCOT-MARIE-TOOTH NEUROPATHY, AXONAL, TYPE 2O; CHARCOT-MARIE-TOOTH DISEASE, AXONAL, AUTOSOMAL DOMINANT, TYPE 2O; Charcot-Marie-Tooth Neuropathy Type 2O; Charcot-Marie-Tooth disease, axonal, type 20. Identifiers: Orphanet 284232, MedGen C3280220, MONDO:0013644, OMIM 614228.

gnomAD v4.1: 2 of 1,614,202 alleles (0.00012%); highest among the groups gnomAD compares: Non-Finnish European, 0.00017%; no homozygotes.

Submission:

Labcorp Genetics (formerly Invitae), Labcorp
Classification: Uncertain significance for Charcot-Marie-Tooth disease axonal type 2O. Last evaluated: 2025-07-21. Review status: criteria provided, single submitter. Criteria: Invitae Variant Classification Sherloc (09022015). Collection method: clinical testing. Allele origin: germline.
Comment: This sequence change replaces glutamic acid, which is acidic and polar, with aspartic acid, which is acidic and polar, at codon 541 of the DYNC1H1 protein (p.Glu541Asp). This variant is not present in population databases (gnomAD no frequency). This variant has not been reported in the literature in individuals affected with DYNC1H1-related conditions. Invitae Evidence Modeling of protein sequence and biophysical properties (such as structural, functional, and spatial information, amino acid conservation, physicochemical variation, residue mobility, and thermodynamic stability) indicates that this missense variant is not expected to disrupt DYNC1H1 protein function with a negative predictive value of 95%. In summary, the available evidence is currently insufficient to determine the role of this variant in disease. Therefore, it has been classified as a Variant of Uncertain Significance.

NM_001376.5(DYNC1H1):c.1623G>C (p.Glu541Asp)

Gene: DYNC1H1 (dynein cytoplasmic 1 heavy chain 1; plus strand). Cytogenetic location: 14q32.31.
Variant type: single nucleotide variant.
Coding change: c.1623G>C on transcript NM_001376.5 (MANE Select); coding-DNA position 1623, G replaced by C.
Protein change: p.Glu541Asp; replaces glutamic acid 541 with aspartic acid.
Molecular consequence: missense variant.
Genome position (GRCh38, 1-based): chr14:101,985,848, G>C. VCF-style: chr14-101985848-G-C. GRCh37 (hg19) VCF-style: chr14-102452185-G-C.
Other names: short protein forms E541D.
Identifiers: ClinVar variation 4802034 (VCV004802034.1).